The following is an entry in ClinVar:

NM_012062.5(DNM1L):c.1675-4A>G

Gene: DNM1L (dynamin 1 like; plus strand). Cytogenetic location: 12p11.21.
Variant type: single nucleotide variant.
Coding change: c.1675-4A>G on transcript NM_012062.5 (MANE Select); 4 bases into the intron before coding-DNA position 1675, A replaced by G.
Molecular consequence: intron variant.
Genome position (GRCh38, 1-based): chr12:32,738,260, A>G. VCF-style: chr12-32738260-A-G. GRCh37 (hg19) VCF-style: chr12-32891194-A-G.
Other names: c.1714-4A>G (NM_001278464.2); c.1713+318A>G (NM_001278465.2); c.1635+1099A>G (NM_001330380.2); c.1066-4A>G (NM_001278466.2); c.1674+318A>G (NM_001278463.2); c.1597-4A>G (NM_012063.4); c.1596+1099A>G (NM_005690.5).
Identifiers: ClinVar variation 3670043 (VCV003670043.2).

ClinVar aggregate classification (germline): Uncertain significance (1 of 4 stars; one submission).

Submission:

Labcorp Genetics (formerly Invitae), Labcorp
Classification: Uncertain significance. Last evaluated: 2024-08-15. Review status: criteria provided, single submitter. Criteria: Invitae Variant Classification Sherloc (09022015). Collection method: clinical testing. Allele origin: germline.
Comment: This sequence change falls in intron 15 of the DNM1L gene. It does not directly change the encoded amino acid sequence of the DNM1L protein. This variant is not present in population databases (gnomAD no frequency). This variant has not been reported in the literature in individuals affected with DNM1L-related conditions. Algorithms developed to predict the effect of sequence changes on RNA splicing suggest that this variant may disrupt the consensus splice site. In summary, the available evidence is currently insufficient to determine the role of this variant in disease. Therefore, it has been classified as a Variant of Uncertain Significance.